The following is an entry in ClinVar:

ClinVar aggregate classification (germline): Uncertain significance (1 of 4 stars; one submission).

Submission:

GeneDx
Classification: Uncertain significance. Last evaluated: 2024-12-06. Review status: criteria provided, single submitter. Criteria: GeneDx Variant Classification Process June 2021. Collection method: clinical testing. Allele origin: germline. Affected: yes.
Comment: Not observed at significant frequency in large population cohorts (gnomAD); In silico analysis supports that this missense variant has a deleterious effect on protein structure/function; Has not been previously published as pathogenic or benign to our knowledge; This variant is associated with the following publications: (PMID: 26986877)

NM_005654.6(NR2F1):c.722C>G (p.Pro241Arg)

Gene: NR2F1 (nuclear receptor subfamily 2 group F member 1; plus strand). Cytogenetic location: 5q15.
Variant type: single nucleotide variant.
Coding change: c.722C>G on transcript NM_005654.6 (MANE Select); coding-DNA position 722, C replaced by G.
Protein change: p.Pro241Arg; replaces proline 241 with arginine.
Molecular consequence: missense variant.
Genome position (GRCh38, 1-based): chr5:93,588,175, C>G. VCF-style: chr5-93588175-C-G. GRCh37 (hg19) VCF-style: chr5-92923881-C-G.
Other names: c.272C>G, p.Pro91Arg (NM_001410754.1); short protein forms P241R, P91R.
Identifiers: ClinVar variation 3901350 (VCV003901350.1).